The following is an entry in ClinVar:

NM_001211.6(BUB1B):c.137C>G (p.Ala46Gly)

Gene: BUB1B (BUB1 mitotic checkpoint serine/threonine kinase B; plus strand). Cytogenetic location: 15q15.1.
Variant type: single nucleotide variant.
Coding change: c.137C>G on transcript NM_001211.6 (MANE Select); coding-DNA position 137, C replaced by G.
Protein change: p.Ala46Gly; replaces alanine 46 with glycine.
Molecular consequence: missense variant.
Genome position (GRCh38, 1-based): chr15:40,165,154, C>G. VCF-style: chr15-40165154-C-G. GRCh37 (hg19) VCF-style: chr15-40457355-C-G.
Other names: short protein forms A46G.
Identifiers: ClinVar variation 1491081 (VCV001491081.8), dbSNP rs889926604, ClinGen allele CA268764819.

ClinVar aggregate classification (germline): Uncertain significance (1 of 4 stars; one submission).

Conditions:
Mosaic variegated aneuploidy syndrome 1 (MVA1). Also called: Warburton-Anyane-Yeboa syndrome. Identifiers: Orphanet 1052, MedGen C1850343, MONDO:0009759, OMIM 257300.

Allele frequency attached by ClinVar (database versions not stated): gnomAD 0.00001; TOPMed 0.00002.
gnomAD v4.1: 25 of 1,614,086 alleles (0.0015%); highest among the groups gnomAD compares: Non-Finnish European, 0.0019%; no homozygotes.

Submission:

Labcorp Genetics (formerly Invitae), Labcorp
Classification: Uncertain significance for Mosaic variegated aneuploidy syndrome 1. Last evaluated: 2025-06-10. Review status: criteria provided, single submitter. Criteria: Invitae Variant Classification Sherloc (09022015). Collection method: clinical testing. Allele origin: germline.
Comment: This sequence change replaces alanine, which is neutral and non-polar, with glycine, which is neutral and non-polar, at codon 46 of the BUB1B protein (p.Ala46Gly). This variant is not present in population databases (gnomAD no frequency). This variant has not been reported in the literature in individuals affected with BUB1B-related conditions. ClinVar contains an entry for this variant (Variation ID: 1491081). An algorithm developed to predict the effect of missense changes on protein structure and function (PolyPhen-2) suggests that this variant is likely to be disruptive. In summary, the available evidence is currently insufficient to determine the role of this variant in disease. Therefore, it has been classified as a Variant of Uncertain Significance.